The following is an entry in ClinVar:

NM_001080517.3(SETD5):c.2346+15_2346+33del

Gene: SETD5 (SET domain containing 5; plus strand). Cytogenetic location: 3p25.3.
Variant type: Deletion.
Coding change: c.2346+15_2346+33del on transcript NM_001080517.3 (MANE Select); bases 15 to 33 of the intron after coding-DNA position 2346, 19 bases deleted (TTGTGTGTGTGTTGTGTTT).
Molecular consequence: intron variant.
Genome position (GRCh38, 1-based): chr3:9,448,645-9,448,663, TTGTGTGTGTGTTGTGTTT deleted; deleting any 19 consecutive bases within chr3:9,448,638-9,448,663 gives the same sequence; the c. name uses the placement nearest the transcript's 3' end. VCF-style (leftmost placement, unchanged base first): chr3-9448637-CTGTGTTTTTGTGTGTGTGT-C. GRCh37 (hg19) VCF-style: chr3-9490321-CTGTGTTTTTGTGTGTGTGT-C.
Other names: c.2052+15_2052+33del (NM_001349451.2, NM_001292043.2).
Identifiers: ClinVar variation 2894038 (VCV002894038.3), dbSNP rs772964167, ClinGen allele CA2239404.

ClinVar aggregate classification (germline): Uncertain significance (1 of 4 stars; one submission).

Submission:

Labcorp Genetics (formerly Invitae), Labcorp
Classification: Uncertain significance. Last evaluated: 2023-10-08. Review status: criteria provided, single submitter. Criteria: Invitae Variant Classification Sherloc (09022015). Collection method: clinical testing. Allele origin: germline.
Comment: This sequence change falls in intron 16 of the SETD5 gene. It does not directly change the encoded amino acid sequence of the SETD5 protein. The frequency data for this variant in the population databases is considered unreliable, as metrics indicate poor data quality at this position in the gnomAD database. This variant has not been reported in the literature in individuals affected with SETD5-related conditions. Experimental studies and prediction algorithms are not available or were not evaluated, and the effect of this variant on mRNA splicing is currently unknown. In summary, the available evidence is currently insufficient to determine the role of this variant in disease. Therefore, it has been classified as a Variant of Uncertain Significance.